The following is an entry in ClinVar:

NM_006393.3(NEBL):c.676T>C (p.Ser226Pro)

Gene: NEBL (nebulette; minus strand). Cytogenetic location: 10p12.31.
Variant type: single nucleotide variant.
Coding change: c.676T>C on transcript NM_006393.3 (MANE Select); coding-DNA position 676, T replaced by C.
Protein change: p.Ser226Pro; replaces serine 226 with proline.
Molecular consequence: missense variant. On other transcripts: intron variant (9).
Genome position (GRCh38, 1-based): chr10:20,868,672, A>G on the plus strand (T>C on the coding strand, the complement: NEBL is on the minus strand). VCF-style: chr10-20868672-A-G. GRCh37 (hg19) VCF-style: chr10-21157601-A-G.
Other names: c.250-55732T>C (NM_001377326.1, NM_001377327.1, NM_001377328.1); c.358-55732T>C (NM_213569.2, NM_001173484.2, NM_001377322.1); c.301-55732T>C (NM_001377324.1); c.292-55732T>C (NM_001377325.1); c.310-55732T>C (NM_001377323.1); short protein forms S226P.
Identifiers: ClinVar variation 450731 (VCV000450731.6), dbSNP rs768861339, ClinGen allele CA5433158.

ClinVar aggregate classification (germline): Uncertain significance. Review status: criteria provided, multiple submitters, no conflicts (2 of 4 stars). 3 submissions from 3 submitters: Uncertain significance (3). Last evaluated 2025-01-23.

Conditions:
Primary dilated cardiomyopathy (DCM). Also called: Dilated Cardiomyopathy. Identifiers: Orphanet 217604, MedGen C0007193, MeSH D002311, MONDO:0005021, HP:0001644. Inheritance: Various modes of inheritance.

Allele frequency attached by ClinVar (database versions not stated): ExAC 0.00001; gnomAD exomes 0.00001; TOPMed 0.00002.
gnomAD v4.1: 44 of 1,604,154 alleles (0.0027%); highest among the groups gnomAD compares: Non-Finnish European, 0.0036%; no homozygotes.

Submissions (3):

Labcorp Genetics (formerly Invitae), Labcorp
Classification: Uncertain significance for Primary dilated cardiomyopathy. Last evaluated: 2025-01-23. Review status: criteria provided, single submitter. Criteria: Invitae Variant Classification Sherloc (09022015). Collection method: clinical testing. Allele origin: germline.
Comment: This sequence change replaces serine, which is neutral and polar, with proline, which is neutral and non-polar, at codon 226 of the NEBL protein (p.Ser226Pro). This variant is present in population databases (rs768861339, gnomAD 0.003%). This variant has not been reported in the literature in individuals affected with NEBL-related conditions. ClinVar contains an entry for this variant (Variation ID: 450731). An algorithm developed to predict the effect of missense changes on protein structure and function (PolyPhen-2) suggests that this variant is likely to be disruptive. In summary, the available evidence is currently insufficient to determine the role of this variant in disease. Therefore, it has been classified as a Variant of Uncertain Significance.

Ambry Genetics
Classification: Uncertain significance. Last evaluated: 2024-09-30. Review status: criteria provided, single submitter. Criteria: Ambry Variant Classification Scheme 2023. Collection method: clinical testing. Allele origin: germline.

GeneDx
Classification: Uncertain significance. Last evaluated: 2017-07-18. Review status: criteria provided, single submitter. Criteria: GeneDx Variant Classification (06012015). Collection method: clinical testing. Allele origin: germline. Affected: yes.
Comment: A variant of uncertain significance has been identified in the NEBL gene. The S226P variant has not been published as pathogenic or been reported as benign to our knowledge. This variant is not observed at a significant frequency in large population cohorts (Lek et al., 2016; 1000 Genomes Consortium et al., 2015; Exome Variant Server). The S226P variant is a non-conservative amino acid substitution, which is likely to impact secondary protein structure as these residues differ in polarity, charge, size and/or other properties. In silico analysis predicts this variant is probably damaging to the protein structure/function. However, this substitution occurs at a position that is only conserved in mammals.